The following is an entry in ClinVar:

NM_006904.7(PRKDC):c.10192C>T (p.Pro3398Ser)

Gene: PRKDC (protein kinase, DNA-activated, catalytic subunit; minus strand). Cytogenetic location: 8q11.21.
Variant type: single nucleotide variant.
Coding change: c.10192C>T on transcript NM_006904.7 (MANE Select); coding-DNA position 10192, C replaced by T.
Protein change: p.Pro3398Ser; replaces proline 3398 with serine.
Molecular consequence: missense variant.
Genome position (GRCh38, 1-based): chr8:47,799,315, G>A on the plus strand (C>T on the coding strand, the complement: PRKDC is on the minus strand). VCF-style: chr8-47799315-G-A. GRCh37 (hg19) VCF-style: chr8-48711876-G-A.
Other names: c.10192C>T, p.Pro3398Ser (NM_001081640.2); short protein forms P3398S.
Identifiers: ClinVar variation 1751667 (VCV001751667.2), dbSNP rs2087049268, ClinGen allele CA371135356.

ClinVar aggregate classification (germline): Uncertain significance (1 of 4 stars; one submission).

Allele frequency attached by ClinVar (database versions not stated): TOPMed below 0.00001; gnomAD 0.00001.
gnomAD v4.1: 1 of 1,612,884 alleles (0.000062%); highest among the groups gnomAD compares: Non-Finnish European, 0.000085%; no homozygotes.

Submission:

Ambry Genetics
Classification: Uncertain significance. Last evaluated: 2022-03-14. Review status: criteria provided, single submitter. Criteria: Ambry Variant Classification Scheme 2023. Collection method: clinical testing. Allele origin: germline.
Comment: The p.P3398S variant (also known as c.10192C>T), located in coding exon 72 of the PRKDC gene, results from a C to T substitution at nucleotide position 10192. The proline at codon 3398 is replaced by serine, an amino acid with similar properties. This amino acid position is conserved. In addition, this alteration is predicted to be tolerated by in silico analysis. Since supporting evidence is limited at this time, the clinical significance of this alteration remains unclear.